The following is an entry in ClinVar:

ClinVar aggregate classification (germline): Pathogenic (1 of 4 stars; one submission).

Conditions:
Hereditary cancer-predisposing syndrome. Also called: Tumor predisposition; Hereditary Cancer Syndrome; Hereditary neoplastic syndrome; Neoplastic Syndromes, Hereditary. Identifiers: Orphanet 140162, MedGen C0027672, MeSH D009386, MONDO:0015356.

Submission:

Ambry Genetics
Classification: Pathogenic for Hereditary cancer-predisposing syndrome. Last evaluated: 2024-01-02. Review status: criteria provided, single submitter. Criteria: Ambry Variant Classification Scheme 2023. Collection method: clinical testing. Allele origin: germline.
Comment: The c.6463delG pathogenic mutation, located in coding exon 44 of the ATM gene, results from a deletion of one nucleotide at nucleotide position 6463, causing a translational frameshift with a predicted alternate stop codon (p.V2155Wfs*80). This variant is considered to be rare based on population cohorts in the Genome Aggregation Database (gnomAD). This alteration is expected to result in loss of function by premature protein truncation or nonsense-mediated mRNA decay. As such, this alteration is interpreted as a disease-causing mutation.

NM_000051.4(ATM):c.6463del (p.Val2155fs)

Genes: ATM (ATM serine/threonine kinase; plus strand), C11orf65 (chromosome 11 open reading frame 65; minus strand). Cytogenetic location: 11q22.3.
Variant type: Deletion.
Coding change: c.6463del on transcript NM_000051.4 (MANE Select); coding-DNA position 6463, one base deleted (G; older notation c.6463delG).
Protein change: p.Val2155fs; shifts the reading frame from valine 2155.
Molecular consequence: frameshift variant. On other transcripts: intron variant (2).
Genome position (GRCh38, 1-based): chr11:108,321,311, G deleted. VCF-style (leftmost placement, unchanged base first): chr11-108321310-AG-A. GRCh37 (hg19) VCF-style: chr11-108192037-AG-A.
Other names: c.6463del, p.Val2155fs (NM_001351834.2); c.641-12240del (NM_001330368.2); c.*39-12240del (NM_001351110.2); short protein forms V2155fs.
Identifiers: ClinVar variation 3222368 (VCV003222368.1), dbSNP rs2547161059, ClinGen allele CA2825001865.